The following is an entry in ClinVar:

ClinVar aggregate classification (germline): Uncertain significance. Review status: criteria provided, multiple submitters, no conflicts (2 of 4 stars). 2 submissions from 2 submitters: Uncertain significance (2). Last evaluated 2025-09-10.

Conditions:
Marfan syndrome (MFS). Also called: MARFAN SYNDROME, TYPE I; Marfan syndrome type 1; Marfan's syndrome; Marfan syndrome, classic; FBN1-Related Marfan Syndrome. Identifiers: Orphanet 284963, Orphanet 558, MedGen C0024796, MONDO:0007947, OMIM 154700.

Allele frequency attached by ClinVar (database versions not stated): gnomAD exomes 0.00001; ExAC 0.00002.
gnomAD v4.1: 7 of 1,612,240 alleles (0.00043%); highest among the groups gnomAD compares: South Asian, 0.0077%; no homozygotes.

Submissions (2):

Genomic Medicine Center of Excellence, King Faisal Specialist Hospital and Research Centre
Classification: Uncertain significance for Marfan syndrome. Last evaluated: 2025-09-10. Review status: criteria provided, single submitter. Criteria: ACMG Guidelines, 2015. Collection method: clinical testing. Allele origin: germline.

All of Us Research Program, National Institutes of Health
Classification: Uncertain significance for Marfan syndrome. Last evaluated: 2023-12-01. Review status: criteria provided, single submitter. Criteria: ACMG Guidelines, 2015. Collection method: clinical testing. Allele origin: germline. Inheritance: Autosomal dominant inheritance. Observed: 1 variant allele, 1 heterozygote.
Comment: This study involves interpretation of variants in research participants for the purpose of population health screening. Participant phenotype was not available at the time of variant classification. Additional details can be found in publication PMID: 35346344, PMCID: PMC8962531

NM_000138.5(FBN1):c.2791G>A (p.Gly931Arg)

Gene: FBN1 (fibrillin 1; minus strand). Cytogenetic location: 15q21.1.
Variant type: single nucleotide variant.
Coding change: c.2791G>A on transcript NM_000138.5 (MANE Select); coding-DNA position 2791, G replaced by A.
Protein change: p.Gly931Arg; replaces glycine 931 with arginine.
Molecular consequence: missense variant.
Genome position (GRCh38, 1-based): chr15:48,492,524, C>T on the plus strand (G>A on the coding strand, the complement: FBN1 is on the minus strand). VCF-style: chr15-48492524-C-T. GRCh37 (hg19) VCF-style: chr15-48784721-C-T.
Other names: c.2791G>A, p.Gly931Arg (NM_001406716.1); short protein forms G931R.
Identifiers: ClinVar variation 3074677 (VCV003074677.2), dbSNP rs761232763, ClinGen allele CA048869.